The following is an entry in ClinVar:

ClinVar aggregate classification (germline): Uncertain significance. Review status: criteria provided, multiple submitters, no conflicts (2 of 4 stars). 3 submissions from 3 submitters: Uncertain significance (3). Last evaluated 2024-05-08.

Conditions:
Inborn genetic diseases. Identifiers: MedGen C0950123, MeSH D030342.
Luscan-Lumish syndrome. Identifiers: Orphanet 597738, MedGen C4085873, MONDO:0014791, OMIM 616831.

Allele frequency attached by ClinVar (database versions not stated): gnomAD exomes below 0.00001.
gnomAD v4.1: 1 of 1,614,184 alleles (0.000062%); highest among the groups gnomAD compares: South Asian, 0.0011%; no homozygotes.

Submissions (3):

Labcorp Genetics (formerly Invitae), Labcorp
Classification: Uncertain significance for Luscan-Lumish syndrome. Last evaluated: 2024-05-08. Review status: criteria provided, single submitter. Criteria: Invitae Variant Classification Sherloc (09022015). Collection method: clinical testing. Allele origin: germline.
Comment: This sequence change replaces aspartic acid, which is acidic and polar, with glycine, which is neutral and non-polar, at codon 1169 of the SETD2 protein (p.Asp1169Gly). This variant is present in population databases (no rsID available, gnomAD 0.003%). This variant has not been reported in the literature in individuals affected with SETD2-related conditions. ClinVar contains an entry for this variant (Variation ID: 521459). Advanced modeling of protein sequence and biophysical properties (such as structural, functional, and spatial information, amino acid conservation, physicochemical variation, residue mobility, and thermodynamic stability) performed at Invitae indicates that this missense variant is not expected to disrupt SETD2 protein function with a negative predictive value of 80%. In summary, the available evidence is currently insufficient to determine the role of this variant in disease. Therefore, it has been classified as a Variant of Uncertain Significance.

Genome-Nilou Lab
Classification: Uncertain significance for Luscan-Lumish syndrome. Last evaluated: 2022-03-15. Review status: criteria provided, single submitter. Criteria: ACMG Guidelines, 2015. Collection method: clinical testing. Allele origin: germline. Affected: no.

Ambry Genetics
Classification: Uncertain significance for Inborn genetic diseases. Last evaluated: 2016-12-27. Review status: criteria provided, single submitter. Criteria: Ambry exome assertion method (8-5-2015). Collection method: clinical testing. Allele origin: germline. Affected: yes. Observed: 1 variant allele.

NM_014159.7(SETD2):c.3506A>G (p.Asp1169Gly)

Gene: SETD2 (SET domain containing 2, histone lysine methyltransferase; minus strand). Cytogenetic location: 3p21.31.
Variant type: single nucleotide variant.
Coding change: c.3506A>G on transcript NM_014159.7 (MANE Select); coding-DNA position 3506, A replaced by G.
Protein change: p.Asp1169Gly; replaces aspartic acid 1169 with glycine.
Molecular consequence: missense variant. On other transcripts: non-coding transcript variant (1).
Genome position (GRCh38, 1-based): chr3:47,121,130, T>C on the plus strand (A>G on the coding strand, the complement: SETD2 is on the minus strand). VCF-style: chr3-47121130-T-C. GRCh37 (hg19) VCF-style: chr3-47162620-T-C.
Other names: c.3374A>G, p.Asp1125Gly (NM_001349370.3); short protein forms D1169G, D1125G.
Identifiers: ClinVar variation 521459 (VCV000521459.10), dbSNP rs1291041398, ClinGen allele CA352522220.